The following is an entry in ClinVar:

NM_004035.7(ACOX1):c.80C>T (p.Pro27Leu)

Gene: ACOX1 (acyl-CoA oxidase 1; minus strand). Cytogenetic location: 17q25.1.
Variant type: single nucleotide variant.
Coding change: c.80C>T on transcript NM_004035.7 (MANE Select); coding-DNA position 80, C replaced by T.
Protein change: p.Pro27Leu; replaces proline 27 with leucine.
Molecular consequence: missense variant. On other transcripts: 5 prime UTR variant (1).
Genome position (GRCh38, 1-based): chr17:75,978,994, G>A on the plus strand (C>T on the coding strand, the complement: ACOX1 is on the minus strand). VCF-style: chr17-75978994-G-A. GRCh37 (hg19) VCF-style: chr17-73975075-G-A.
Other names: c.-209C>T (NM_001185039.2); c.80C>T, p.Pro27Leu (NM_007292.6); short protein forms P27L.
Identifiers: ClinVar variation 235759 (VCV000235759.24), dbSNP rs145082938, ClinGen allele CA8777165.

ClinVar aggregate classification (germline): Benign/Likely benign. Review status: criteria provided, multiple submitters, no conflicts (2 of 4 stars). 7 submissions from 7 submitters: Benign (2); Likely benign (3). 2 of the submissions do not count toward it. Last evaluated 2026-02-04.

Conditions:
Acyl-CoA oxidase deficiency. Also called: STRAIGHT-CHAIN ACYL-CoA OXIDASE DEFICIENCY; Peroxisomal acyl-CoA oxidase deficiency; Pseudoneonatal adrenoleukodystrophy. Identifiers: Orphanet 2971, MedGen C1849678, MONDO:0009919, OMIM 264470. Disease mechanism: loss of function.

Allele frequency attached by ClinVar (database versions not stated): gnomAD exomes 0.00152 and 0.00328; ExAC 0.00330; 1000 Genomes Project 0.00559; gnomAD 0.00672 and 0.00638; ESP Exome Variant Server 0.00715; TOPMed 0.00751; 1000 Genomes Project 30x 0.00578.
gnomAD v4.1: 3,331 of 1,611,258 alleles (0.21%); highest among the groups gnomAD compares: Middle Eastern, 2.9%; 29 homozygotes.

Submissions (7):

Labcorp Genetics (formerly Invitae), Labcorp
Classification: Benign for Acyl-CoA oxidase deficiency. Last evaluated: 2026-02-04. Review status: criteria provided, single submitter. Criteria: Invitae Variant Classification Sherloc (09022015). Collection method: clinical testing. Allele origin: germline.

Institute of Human Genetics, University of Leipzig Medical Center
Classification: Likely benign for Acyl-CoA oxidase deficiency. Last evaluated: 2019-01-01. Review status: criteria provided, single submitter. Criteria: ACMG Guidelines, 2015. Collection method: clinical testing. Allele origin: unknown. Affected: yes.

Illumina Laboratory Services, Illumina
Classification: Benign for Acyl-CoA oxidase deficiency. Last evaluated: 2018-01-13. Review status: criteria provided, single submitter. Criteria: ICSL Variant Classification Criteria 13 December 2019. Collection method: clinical testing. Allele origin: germline.
Comment: This variant was observed in the ICSL laboratory as part of a predisposition screen in an ostensibly healthy population. It had not been previously curated by ICSL or reported in the Human Gene Mutation Database (HGMD: prior to June 1st, 2018), and was therefore a candidate for classification through an automated scoring system. Utilizing variant allele frequency, disease prevalence and penetrance estimates, and inheritance mode, an automated score was calculated to assess if this variant is too frequent to cause the disease. Based on the score and internal cut-off values, a variant classified as benign is not then subjected to further curation. The score for this variant resulted in a classification of benign for this disease.

Center for Pediatric Genomic Medicine, Children's Mercy Hospital and Clinics
Classification: Likely benign. Last evaluated: 2015-09-28. Review status: criteria provided, single submitter. Criteria: ACMG Guidelines, 2015. Collection method: clinical testing. Allele origin: germline.
ClinVar note: Converted during submission from Likely Benign to Likely benign.

Breakthrough Genomics
Classification: Likely benign. Review status: criteria provided, single submitter. Criteria: ACMG Guidelines, 2015. Collection method: not provided. Allele origin: germline. Inheritance: Autosomal recessive inheritance. Affected: yes.

Natera, Inc.
Classification: Benign for Peroxisomal acyl-CoA oxidase deficiency. Last evaluated: 2019-11-11. Review status: no assertion criteria provided. Collection method: clinical testing. Allele origin: germline. Not counted in ClinVar's aggregate classification.

Mayo Clinic Laboratories, Mayo Clinic
Classification: Likely benign. Last evaluated: 2017-08-16. Review status: no assertion criteria provided. Collection method: clinical testing. Allele origin: unknown. Not counted in ClinVar's aggregate classification.